The following is an entry in ClinVar:

NM_001384474.1(LOXHD1):c.6331_6334dup (p.Gly2112fs)

Gene: LOXHD1 (lipoxygenase homology PLAT domains 1; minus strand). Cytogenetic location: 18q21.1.
Variant type: Duplication.
Coding change: c.6331_6334dup on transcript NM_001384474.1 (MANE Select); coding-DNA positions 6331 to 6334, 4 bases duplicated (TACG; older notation c.6331_6334dupTACG).
Protein change: p.Gly2112fs; shifts the reading frame from glycine 2112.
Molecular consequence: frameshift variant.
Genome position (GRCh38, 1-based): chr18:46,483,594-46,483,597, CGTA duplicated on the plus strand (TACG on the coding strand, the reverse complement: LOXHD1 is on the minus strand); duplicating any 4 consecutive bases within chr18:46,483,594-46,483,598 gives the same sequence; the c. name uses the placement nearest the transcript's 3' end. VCF-style (leftmost placement, unchanged base first): chr18-46483593-C-CCGTA. GRCh37 (hg19) VCF-style: chr18-44063556-C-CCGTA.
Other names: c.2998_3001dup, p.Gly1001fs (NM_001145472.3); c.1048_1051dup, p.Gly351fs (NM_001145473.3, NM_001173129.2); c.2710_2713dup, p.Gly905fs (NM_001308013.2); c.6145_6148dup, p.Gly2050fs (NM_144612.7); short protein forms G1001fs, G2050fs, G2112fs, G351fs, G905fs.
Identifiers: ClinVar variation 4886565 (VCV004886565.2).

ClinVar aggregate classification (germline): Likely pathogenic (1 of 4 stars; one submission).

Submission:

Dasa
Classification: Likely pathogenic. Last evaluated: 2026-02-02. Review status: criteria provided, single submitter. Criteria: DASA Assertion Criteria. Collection method: clinical testing. Allele origin: germline.
Comment: NM_001384474.1(LOXHD1):c.6331_6334dup (p.Gly2112Valfs*8) is a frameshift variant in LOXHD1 predicted to alter the reading frame and introduce a premature termination codon and is predicted to result in an absent or altered protein product. Loss of function is an established disease mechanism for LOXHD1-associated disorders. Also, this variant is rare in population databases. Based on the currently available evidence, this variant is classified as likely pathogenic.